The following is an entry in ClinVar:

NM_001130438.3(SPTAN1):c.3580-5_3580-2del

Gene: SPTAN1 (spectrin alpha, non-erythrocytic 1; plus strand). Cytogenetic location: 9q34.11.
Variant type: Microsatellite.
Coding change: c.3580-5_3580-2del on transcript NM_001130438.3 (MANE Select); 5 bases into the intron before coding-DNA position 3580 through the canonical splice acceptor site of the intron before coding-DNA position 3580, 4 bases deleted (CCTA; older notation c.3580-5_3580-2delCCTA).
Molecular consequence: splice acceptor variant.
Genome position (GRCh38, 1-based): chr9:128,603,538-128,603,541, CCTA deleted; deleting any 4 consecutive bases within chr9:128,603,534-128,603,541 gives the same sequence; the c. name uses the placement nearest the transcript's 3' end. VCF-style (leftmost placement, unchanged base first): chr9-128603533-CCCTA-C. GRCh37 (hg19) VCF-style: chr9-131365812-CCCTA-C.
Other names: c.3616-5_3616-2del (NM_001375318.1, NM_001375312.2); c.3580-5_3580-2del (NM_001375311.2, NM_001375310.1, NM_001363759.2 and 3 more transcripts); c.3520-5_3520-2del (NM_001375314.2, NM_001363765.2, NM_001195532.2).
Identifiers: ClinVar variation 501381 (VCV000501381.24), dbSNP rs754528571, ClinGen allele CA5264984.

ClinVar aggregate classification (germline): Conflicting classifications of pathogenicity. Review status: criteria provided, conflicting classifications (1 of 4 stars). 6 submissions from 6 submitters: Uncertain significance (1); Benign (1); Likely benign (3). 1 of the submissions does not count toward it. Last evaluated 2025-12-13.

Conditions:
SPTAN1-related disorder. Also called: SPTAN1-related disorders; SPTAN1-related condition.
Early-infantile DEE. Also called: Early infantile epileptic encephalopathy with suppression bursts; Ohtahara syndrome; Early infantile epileptic encephalopathy. Identifiers: Orphanet 1934, MedGen C0393706, MONDO:0800491.
Developmental and epileptic encephalopathy, 5 (DEE5). Identifiers: Orphanet 3451, MedGen C3150731, MONDO:0013277, OMIM 613477.

Submissions (6):

Labcorp Genetics (formerly Invitae), Labcorp
Classification: Likely benign for Early-infantile DEE. Last evaluated: 2025-12-13. Review status: criteria provided, single submitter. Criteria: Invitae Variant Classification Sherloc (09022015). Collection method: clinical testing. Allele origin: germline.

Genome-Nilou Lab
Classification: Benign for Developmental and epileptic encephalopathy, 5. Last evaluated: 2021-07-15. Review status: criteria provided, single submitter. Criteria: ACMG Guidelines, 2015. Collection method: clinical testing. Allele origin: germline. Affected: no.

GeneDx
Classification: Likely benign. Last evaluated: 2020-02-24. Review status: criteria provided, single submitter. Criteria: GeneDx Variant Classification Process June 2021. Collection method: clinical testing. Allele origin: germline. Affected: yes.

Athena Diagnostics
Classification: Likely benign. Last evaluated: 2018-11-29. Review status: criteria provided, single submitter. Criteria: Athena Diagnostics Criteria. Collection method: clinical testing. Allele origin: germline.

Eurofins Ntd Llc (ga)
Classification: Uncertain significance. Last evaluated: 2018-01-04. Review status: criteria provided, single submitter. Criteria: EGL Classification Definitions 2015. Collection method: clinical testing. Allele origin: germline. Observed: 3 variant alleles, 3 heterozygotes.

PreventionGenetics, part of Exact Sciences
Classification: Likely benign for SPTAN1-related condition. Last evaluated: 2020-11-23. Review status: no assertion criteria provided. Collection method: clinical testing. Allele origin: germline. Not counted in ClinVar's aggregate classification.
Comment: This variant is classified as likely benign based on ACMG/AMP sequence variant interpretation guidelines (Richards et al. 2015 PMID: 25741868, with internal and published modifications).